The following is an entry in ClinVar:

NM_006160.4(NEUROD2):c.398G>T (p.Arg133Leu)

Gene: NEUROD2 (neuronal differentiation 2; minus strand). Cytogenetic location: 17q12.
Variant type: single nucleotide variant.
Coding change: c.398G>T on transcript NM_006160.4 (MANE Select); coding-DNA position 398, G replaced by T.
Protein change: p.Arg133Leu; replaces arginine 133 with leucine.
Molecular consequence: missense variant.
Genome position (GRCh38, 1-based): chr17:39,606,202, C>A on the plus strand (G>T on the coding strand, the complement: NEUROD2 is on the minus strand). VCF-style: chr17-39606202-C-A. GRCh37 (hg19) VCF-style: chr17-37762455-C-A.
Other names: short protein forms R133L.
Identifiers: ClinVar variation 3773654 (VCV003773654.2).

ClinVar aggregate classification (germline): Likely pathogenic (1 of 4 stars; one submission).

Conditions:
Developmental and epileptic encephalopathy, 72. Also called: EPILEPTIC ENCEPHALOPATHY, EARLY INFANTILE, 72. Identifiers: MedGen C5193063, MONDO:0032710, OMIM 618374.

Submission:

Institute of Human Genetics, University of Leipzig Medical Center
Classification: Likely pathogenic for Developmental and epileptic encephalopathy, 72. Last evaluated: 2025-03-04. Review status: criteria provided, single submitter. Criteria: ACMG Guidelines, 2015. Collection method: clinical testing. Allele origin: unknown. Inheritance: Autosomal dominant inheritance. Affected: yes.
Comment: Criteria applied: PM1,PM2,PP2,PP3